The following is an entry in ClinVar:

NM_000069.3(CACNA1S):c.3054-6C>T

Gene: CACNA1S (calcium voltage-gated channel subunit alpha1 S; minus strand). Cytogenetic location: 1q32.1.
Variant type: single nucleotide variant.
Coding change: c.3054-6C>T on transcript NM_000069.3 (MANE Select); 6 bases into the intron before coding-DNA position 3054, C replaced by T.
Molecular consequence: intron variant.
Genome position (GRCh38, 1-based): chr1:201,061,474, G>A on the plus strand (C>T on the coding strand, the complement: CACNA1S is on the minus strand). VCF-style: chr1-201061474-G-A. GRCh37 (hg19) VCF-style: chr1-201030602-G-A.
Identifiers: ClinVar variation 1547360 (VCV001547360.11), dbSNP rs1414012957, ClinGen allele CA528314056.

ClinVar aggregate classification (germline): Likely benign. Review status: criteria provided, multiple submitters, no conflicts (2 of 4 stars). 3 submissions from 3 submitters: Likely benign (3). Last evaluated 2025-06-16.

Conditions:
Hypokalemic periodic paralysis, type 1. Also called: HypoPP; Hypokalemic Periodic Paralysis Type 1 (AD). Identifiers: Orphanet 681, MedGen C3714580, MONDO:0042979, OMIM 170400.
Malignant hyperthermia, susceptibility to, 5 (MHS5). Also called: CACNA1S-Related Malignant Hyperthermia Susceptibility. Identifiers: Orphanet 423, MedGen C1866077, MONDO:0011163, OMIM 601887.

Allele frequency attached by ClinVar (database versions not stated): gnomAD 0.00001; gnomAD exomes 0.00001; TOPMed 0.00001.
gnomAD v4.1: 10 of 1,613,078 alleles (0.00062%); highest among the groups gnomAD compares: Non-Finnish European, 0.00076%; no homozygotes.

Submissions (3):

Labcorp Genetics (formerly Invitae), Labcorp
Classification: Likely benign for Hypokalemic periodic paralysis, type 1; Malignant hyperthermia, susceptibility to, 5. Last evaluated: 2025-06-16. Review status: criteria provided, single submitter. Criteria: Invitae Variant Classification Sherloc (09022015). Collection method: clinical testing. Allele origin: germline.

All of Us Research Program, National Institutes of Health
Classification: Likely benign for Malignant hyperthermia, susceptibility to, 5. Last evaluated: 2024-02-05. Review status: criteria provided, single submitter. Criteria: ACMG Guidelines, 2015. Collection method: clinical testing. Allele origin: germline. Inheritance: Autosomal dominant inheritance. Observed: 8 variant alleles, 8 heterozygotes.
Comment: This study involves interpretation of variants in research participants for the purpose of population health screening. Participant phenotype was not available at the time of variant classification. Additional details can be found in publication PMID: 35346344, PMCID: PMC8962531

Color Diagnostics, LLC DBA Color Health
Classification: Likely benign for Malignant hyperthermia, susceptibility to, 5. Last evaluated: 2023-01-20. Review status: criteria provided, single submitter. Criteria: ACMG Guidelines, 2015. Collection method: clinical testing. Allele origin: germline.